The following is an entry in ClinVar:

ClinVar aggregate classification (germline): Uncertain significance (1 of 4 stars; one submission).

Conditions:
Fetal akinesia deformation sequence 1 (FADS1). Also called: Pena-Shokeir syndrome type I; Fetal akinesia sequence. Identifiers: Orphanet 994, MedGen C1276035, MONDO:0100101, OMIM 208150, HP:0001989.
Congenital myasthenic syndrome 10. Also called: Myasthenia, limb-girdle, familial. Identifiers: Orphanet 590, MedGen C1850792, MONDO:0009690, OMIM 254300.

Submission:

Labcorp Genetics (formerly Invitae), Labcorp
Classification: Uncertain significance for Congenital myasthenic syndrome 10; Fetal akinesia deformation sequence 1. Last evaluated: 2022-07-19. Review status: criteria provided, single submitter. Criteria: Invitae Variant Classification Sherloc (09022015). Collection method: clinical testing. Allele origin: germline.
Comment: This sequence change replaces alanine, which is neutral and non-polar, with threonine, which is neutral and polar, at codon 251 of the DOK7 protein (p.Ala251Thr). This variant is not present in population databases (gnomAD no frequency). This variant has not been reported in the literature in individuals affected with DOK7-related conditions. Algorithms developed to predict the effect of missense changes on protein structure and function (SIFT, PolyPhen-2, Align-GVGD) all suggest that this variant is likely to be tolerated. In summary, the available evidence is currently insufficient to determine the role of this variant in disease. Therefore, it has been classified as a Variant of Uncertain Significance.

NM_173660.5(DOK7):c.751G>A (p.Ala251Thr)

Genes: DOK7 (docking protein 7; plus strand), LOC129992118 (ATAC-STARR-seq lymphoblastoid silent region 15206; plus strand). Cytogenetic location: 4p16.3.
Variant type: single nucleotide variant.
Coding change: c.751G>A on transcript NM_173660.5 (MANE Select); coding-DNA position 751, G replaced by A.
Protein change: p.Ala251Thr; replaces alanine 251 with threonine.
Molecular consequence: missense variant. On other transcripts: 5 prime UTR variant (1).
Genome position (GRCh38, 1-based): chr4:3,489,775, G>A. VCF-style: chr4-3489775-G-A. GRCh37 (hg19) VCF-style: chr4-3491502-G-A.
Other names: c.740G>A, p.Cys247Tyr (NM_001164673.2); c.-180G>A (NM_001256896.2); c.751G>A, p.Ala251Thr (NM_001301071.2); c.319G>A, p.Ala107Thr (NM_001363811.2); short protein forms A107T, A251T, C247Y.
Identifiers: ClinVar variation 1718694 (VCV001718694.3), dbSNP rs1479904931, ClinGen allele CA356115724.